The following is an entry in ClinVar:

ClinVar aggregate classification (germline): Benign. Review status: criteria provided, multiple submitters, no conflicts (2 of 4 stars). 3 submissions from 3 submitters: Benign (2). 1 of the submissions does not count toward it. Last evaluated 2015-10-12.

Allele frequency attached by ClinVar (database versions not stated): gnomAD exomes 0.00301 and 0.00786; ExAC 0.00991; gnomAD 0.02830 and 0.03028; 1000 Genomes Project 0.02993; 1000 Genomes Project 30x 0.03226; ESP Exome Variant Server 0.03276; TOPMed 0.03302.
gnomAD v4.1: 6,678 of 1,209,595 alleles (0.55%); highest among the groups gnomAD compares: African/African-American, 10%; 208 homozygotes.

Submissions (3):

Ambry Genetics
Classification: Benign. Last evaluated: 2015-10-12. Review status: criteria provided, single submitter. Criteria: Ambry Variant Classification Scheme 2023. Collection method: clinical testing. Allele origin: germline.

Breakthrough Genomics
Classification: Benign. Review status: criteria provided, single submitter. Criteria: ACMG Guidelines, 2015. Collection method: not provided. Allele origin: germline. Inheritance: Unknown mechanism. Affected: yes.

Genetic Services Laboratory, University of Chicago
Classification: Likely benign for AllHighlyPenetrant. Review status: no assertion criteria provided. Collection method: clinical testing. Allele origin: germline. Inheritance: X-linked inheritance. Not counted in ClinVar's aggregate classification.
Comment: Likely benign based on allele frequency in 1000 Genomes Project or ESP global frequency and its presence in a patient with a rare or unrelated disease phenotype. NOT Sanger confirmed.

NM_001324144.2(ZNF41):c.660T>G (p.Asn220Lys)

Gene: ZNF41 (zinc finger protein 41; minus strand). Cytogenetic location: Xp11.3.
Variant type: single nucleotide variant.
Coding change: c.660T>G on transcript NM_001324144.2 (MANE Select); coding-DNA position 660, T replaced by G.
Protein change: p.Asn220Lys; replaces asparagine 220 with lysine.
Molecular consequence: missense variant.
Genome position (GRCh38, 1-based): chrX:47,449,110, A>C on the plus strand (T>G on the coding strand, the complement: ZNF41 is on the minus strand). VCF-style: chrX-47449110-A-C. GRCh37 (hg19) VCF-style: chrX-47308509-A-C.
Other names: c.402T>G, p.Asn134Lys (NM_001324139.2, NM_001324141.2, NM_001324143.2 and 3 more transcripts); c.660T>G, p.Asn220Lys (NM_001324140.2, NM_001324147.2, NM_001324150.2 and 2 more transcripts); c.666T>G, p.Asn222Lys (NM_001324142.2, NM_001324148.2); c.690T>G, p.Asn230Lys (NM_001324151.2, NM_001324153.2); c.762T>G, p.Asn254Lys (NM_001324154.1); c.786T>G, p.Asn262Lys (NM_001324155.1); c.558T>G, p.Asn186Lys (NM_001324156.1); c.552T>G, p.Asn184Lys (NM_001324157.1); short protein forms N220K, N134K, N184K, N186K, N230K, N262K, N222K, N254K.
Identifiers: ClinVar variation 130828 (VCV000130828.11), dbSNP rs34301930, ClinGen allele CA156136.